The following is an entry in ClinVar:

ClinVar aggregate classification (germline): Pathogenic. Review status: criteria provided, single submitter (1 of 4 stars). 2 submissions from 2 submitters: Pathogenic (1). 1 of the submissions does not count toward it. Last evaluated 2022-02-02.

Conditions:
Baller-Gerold syndrome (BGS). Also called: CRANIOSYNOSTOSIS WITH RADIAL DEFECTS. Identifiers: Orphanet 1225, MedGen C0265308, MONDO:0009039, OMIM 218600.

Allele frequency attached by ClinVar (database versions not stated): gnomAD exomes below 0.00001.

Submissions (2):

Labcorp Genetics (formerly Invitae), Labcorp
Classification: Pathogenic for Baller-Gerold syndrome. Last evaluated: 2022-02-02. Review status: criteria provided, single submitter. Criteria: Invitae Variant Classification Sherloc (09022015). Collection method: clinical testing. Allele origin: germline.
Comment: For these reasons, this variant has been classified as Pathogenic. ClinVar contains an entry for this variant (Variation ID: 1120018). This variant has not been reported in the literature in individuals affected with RECQL4-related conditions. This variant is not present in population databases (gnomAD no frequency). This sequence change creates a premature translational stop signal (p.Gln415*) in the RECQL4 gene. It is expected to result in an absent or disrupted protein product. Loss-of-function variants in RECQL4 are known to be pathogenic (PMID: 12734318, 12952869).

Medical Genetics Lab, Xi'an People's Hospital(Xi'an Fourth Hospital)
Classification: Likely pathogenic for Baller-Gerold syndrome. Last evaluated: 2021-01-05. Review status: no assertion criteria provided. Collection method: clinical testing. Allele origin: germline. Inheritance: Autosomal recessive inheritance. Affected: yes. Observed: 1 variant allele, 1 compound heterozygote. Not counted in ClinVar's aggregate classification.

Literature cited by the submitters: PubMed 12734318 (cited by Labcorp Genetics (formerly Invitae), Labcorp); PubMed 12952869 (cited by Labcorp Genetics (formerly Invitae), Labcorp).

NM_004260.4(RECQL4):c.1243C>T (p.Gln415Ter)

Gene: RECQL4 (RecQ like helicase 4; minus strand). Cytogenetic location: 8q24.3.
Variant type: single nucleotide variant.
Coding change: c.1243C>T on transcript NM_004260.4 (MANE Select); coding-DNA position 1243, C replaced by T.
Protein change: p.Gln415Ter; replaces glutamine 415 with a stop codon.
Molecular consequence: nonsense.
Genome position (GRCh38, 1-based): chr8:144,515,779, G>A on the plus strand (C>T on the coding strand, the complement: RECQL4 is on the minus strand). VCF-style: chr8-144515779-G-A. GRCh37 (hg19) VCF-style: chr8-145741163-G-A.
Other names: short protein forms Q415*.
Identifiers: ClinVar variation 1120018 (VCV001120018.8), dbSNP rs2130712164, ClinGen allele CA372687274.